The following is an entry in ClinVar:

NM_000748.3(CHRNB2):c.317G>A (p.Arg106Gln)

Gene: CHRNB2 (cholinergic receptor nicotinic beta 2 subunit; plus strand). Cytogenetic location: 1q21.3.
Variant type: single nucleotide variant.
Coding change: c.317G>A on transcript NM_000748.3 (MANE Select); coding-DNA position 317, G replaced by A.
Protein change: p.Arg106Gln; replaces arginine 106 with glutamine.
Molecular consequence: missense variant.
Genome position (GRCh38, 1-based): chr1:154,570,319, G>A. VCF-style: chr1-154570319-G-A. GRCh37 (hg19) VCF-style: chr1-154542795-G-A.
Other names: short protein forms R106Q.
Identifiers: ClinVar variation 205065 (VCV000205065.12), dbSNP rs779199533, ClinGen allele CA313647.

ClinVar aggregate classification (germline): Uncertain significance. Review status: criteria provided, multiple submitters, no conflicts (2 of 4 stars). 2 submissions from 2 submitters: Uncertain significance (2). Last evaluated 2023-11-17.

Conditions:
Familial sleep-related hypermotor epilepsy. Also called: Autosomal Dominant Sleep-Related Hypermotor (Hyperkinetic) Epilepsy. Identifiers: Orphanet 98784, MedGen C3696898, MONDO:0000030.
Autosomal dominant nocturnal frontal lobe epilepsy 3. Also called: CHRNB2-Related Nocturnal Frontal Lobe Epilepsy, Autosomal Dominant. Identifiers: Orphanet 98784, MedGen C1854335, MONDO:0011545, OMIM 605375.

Allele frequency attached by ClinVar (database versions not stated): ExAC 0.00001; gnomAD exomes 0.00001; gnomAD 0.00001; TOPMed 0.00001.

Submissions (2):

Labcorp Genetics (formerly Invitae), Labcorp
Classification: Uncertain significance. Last evaluated: 2023-11-17. Review status: criteria provided, single submitter. Criteria: Invitae Variant Classification Sherloc (09022015). Collection method: clinical testing. Allele origin: germline.
Comment: This sequence change replaces arginine, which is basic and polar, with glutamine, which is neutral and polar, at codon 106 of the CHRNB2 protein (p.Arg106Gln). This variant is present in population databases (rs779199533, gnomAD 0.006%). This variant has not been reported in the literature in individuals affected with CHRNB2-related conditions. ClinVar contains an entry for this variant (Variation ID: 205065). Advanced modeling of protein sequence and biophysical properties (such as structural, functional, and spatial information, amino acid conservation, physicochemical variation, residue mobility, and thermodynamic stability) performed at Invitae indicates that this missense variant is not expected to disrupt CHRNB2 protein function with a negative predictive value of 80%. In summary, the available evidence is currently insufficient to determine the role of this variant in disease. Therefore, it has been classified as a Variant of Uncertain Significance.

Genomic Research Center, Shahid Beheshti University of Medical Sciences
Classification: Uncertain significance for Epilepsy, nocturnal frontal lobe, type 3. Last evaluated: 2018-08-07. Review status: criteria provided, single submitter. Criteria: ACMG Guidelines, 2015. Collection method: clinical testing. Allele origin: inherited. Affected: yes. Observed: 1 variant allele.